The following is an entry in ClinVar:

ClinVar aggregate classification (germline): Conflicting classifications of pathogenicity. Review status: criteria provided, conflicting classifications (1 of 4 stars). 2 submissions from 2 submitters: Pathogenic (1); Uncertain significance (1). Last evaluated 2023-10-03.

Conditions:
Inborn genetic diseases. Identifiers: MedGen C0950123, MeSH D030342.
Episodic ataxia type 2 (EA2). Also called: ACETAZOLAMIDE-RESPONSIVE HEREDITARY PAROXYSMAL CEREBELLAR ATAXIA; ATAXIA, EPISODIC, WITH NYSTAGMUS; ATAXIA, FAMILIAL PAROXYSMAL; CEREBELLAR ATAXIA, PAROXYSMAL, ACETAZOLAMIDE-RESPONSIVE; CEREBELLOPATHY, HEREDITARY PAROXYSMAL; EPISODIC ATAXIA, NYSTAGMUS-ASSOCIATED. Identifiers: Orphanet 97, MedGen C1720416, MONDO:0007163, OMIM 108500.
Developmental and epileptic encephalopathy, 42 (DEE42A). Also called: EPILEPTIC ENCEPHALOPATHY, EARLY INFANTILE, 42A; DEVELOPMENTAL AND EPILEPTIC ENCEPHALOPATHY 42A; Epileptic encephalopathy, early infantile, 42. Identifiers: MedGen C4310716, MONDO:0014917, OMIM 617106.

Submissions (2):

Ambry Genetics
Classification: Uncertain significance for Inborn genetic diseases. Last evaluated: 2023-10-03. Review status: criteria provided, single submitter. Criteria: Ambry Variant Classification Scheme 2023. Collection method: clinical testing. Allele origin: germline.
Comment: The c.1088T>C (p.F363S) alteration is located in exon 8 (coding exon 8) of the CACNA1A gene. This alteration results from a T to C substitution at nucleotide position 1088, causing the phenylalanine (F) at amino acid position 363 to be replaced by a serine (S)._x000D_ _x000D_ for CACNA1A-related neurologic disorders and Episodic ataxia type 2; however, it is unlikely to be causative of CACNA1A-related spinocerebellar ataxia. This variant was not reported in population-based cohorts in the Genome Aggregation Database (gnomAD). This variant has been determined to be the result of a de novo mutation one individual with features consistent with CACNA1A-related neurologic disorders (Riant, 2010). This amino acid position is highly conserved in available vertebrate species. This alteration is predicted to be deleterious by in silico analysis. Based on insufficient or conflicting evidence, the clinical significance of this alteration remains unclear.

Labcorp Genetics (formerly Invitae), Labcorp
Classification: Pathogenic for Developmental and epileptic encephalopathy, 42; Episodic ataxia type 2. Last evaluated: 2022-07-12. Review status: criteria provided, single submitter. Criteria: Invitae Variant Classification Sherloc (09022015). Collection method: clinical testing. Allele origin: germline.
Comment: This missense change has been observed in individual(s) with clinical features of CACNA1A-related conditions (PMID: 20837964). In at least one individual the variant was observed to be de novo. This variant is not present in population databases (gnomAD no frequency). This sequence change replaces phenylalanine, which is neutral and non-polar, with serine, which is neutral and polar, at codon 363 of the CACNA1A protein (p.Phe363Ser). Advanced modeling of protein sequence and biophysical properties (such as structural, functional, and spatial information, amino acid conservation, physicochemical variation, residue mobility, and thermodynamic stability) performed at Invitae indicates that this missense variant is expected to disrupt CACNA1A protein function. For these reasons, this variant has been classified as Pathogenic.

Literature cited by the submitters: PubMed 20837964 (cited by Ambry Genetics and Labcorp Genetics (formerly Invitae), Labcorp); PubMed 33746731 (cited by Ambry Genetics).

NM_001127222.2(CACNA1A):c.1088T>C (p.Phe363Ser)

Gene: CACNA1A (calcium voltage-gated channel subunit alpha1 A; minus strand). Cytogenetic location: 19p13.13.
Variant type: single nucleotide variant.
Coding change: c.1088T>C on transcript NM_001127222.2 (MANE Select); coding-DNA position 1088, T replaced by C.
Protein change: p.Phe363Ser; replaces phenylalanine 363 with serine.
Molecular consequence: missense variant.
Genome position (GRCh38, 1-based): chr19:13,334,488, A>G on the plus strand (T>C on the coding strand, the complement: CACNA1A is on the minus strand). VCF-style: chr19-13334488-A-G. GRCh37 (hg19) VCF-style: chr19-13445302-A-G.
Other names: c.1088T>C, p.Phe363Ser (NM_000068.4, NM_001127221.2, NM_001174080.2 and 1 more transcripts); short protein forms F363S.
Identifiers: ClinVar variation 2138255 (VCV002138255.5), dbSNP rs2513049302, ClinGen allele CA404346634.